The following is an entry in ClinVar:

NC_012920.1(MT-TS1):m.7479G>A

Gene: MT-TS1 (mitochondrially encoded tRNA serine 1 (UCN); minus strand).
Variant type: single nucleotide variant.
Genome position: chrM-7479-G-A.
Identifiers: ClinVar variation 690030 (VCV000690030.1), dbSNP rs1603220980, ClinGen allele CA913177160.

ClinVar aggregate classification (germline): Uncertain significance (1 of 4 stars; one submission).

Conditions:
MELAS syndrome (MELAS). Also called: Juvenile myopathy, encephalopathy, lactic acidosis, stroke. Identifiers: Orphanet 550, MedGen C0162671, MONDO:0010789, OMIM 540000.

Submission:

Wong Mito Lab, Molecular and Human Genetics, Baylor College of Medicine
Classification: Uncertain significance for MELAS syndrome. Last evaluated: 2019-07-12. Review status: criteria provided, single submitter. Criteria: Modified ACMG Guidelines (Unpublished). Collection method: clinical testing. Allele origin: germline.
Comment: The NC_012920.1:m.7479G>A variant in MT-TS1 gene is interpreted to be a Unknown Significance variant based on the modified ACMG guidelines (unpublished). This variant meets the following evidence codes reported in the guidelines: PM7, PP6, PP7

Literature cited by the submitters: PubMed 31965079.